The following is an entry in ClinVar:

ClinVar aggregate classification (germline): Uncertain significance. Review status: criteria provided, multiple submitters, no conflicts (2 of 4 stars). 3 submissions from 3 submitters: Uncertain significance (3). Last evaluated 2025-10-23.

Conditions:
Ullrich congenital muscular dystrophy 2 (UCMD2). Identifiers: Orphanet 75840, MedGen C4225314, MONDO:0014654, OMIM 616470.
Bethlem myopathy 2 (BTHLM2). Identifiers: Orphanet 536516, Orphanet 610, MedGen C4225313, MONDO:0034022, OMIM 616471.
Inborn genetic diseases. Identifiers: MedGen C0950123, MeSH D030342.

Allele frequency attached by ClinVar (database versions not stated): gnomAD exomes 0.00001; TOPMed below 0.00001; ExAC 0.00001.
gnomAD v4.1: 3 of 1,613,354 alleles (0.00019%); highest among the groups gnomAD compares: Admixed American, 0.005%; no homozygotes.

Submissions (3):

Labcorp Genetics (formerly Invitae), Labcorp
Classification: Uncertain significance for Bethlem myopathy 2; Ullrich congenital muscular dystrophy 2. Last evaluated: 2025-10-23. Review status: criteria provided, single submitter. Criteria: Invitae Variant Classification Sherloc (09022015). Collection method: clinical testing. Allele origin: germline.
Comment: This sequence change replaces aspartic acid, which is acidic and polar, with valine, which is neutral and non-polar, at codon 2728 of the COL12A1 protein (p.Asp2728Val). This variant is present in population databases (rs749287325, gnomAD 0.009%). This variant has not been reported in the literature in individuals affected with COL12A1-related conditions. ClinVar contains an entry for this variant (Variation ID: 1003683). Invitae Evidence Modeling of protein sequence and biophysical properties (such as structural, functional, and spatial information, amino acid conservation, physicochemical variation, residue mobility, and thermodynamic stability) indicates that this missense variant is not expected to disrupt COL12A1 protein function with a negative predictive value of 80%. Algorithms developed to predict the effect of sequence changes on RNA splicing suggest that this variant may disrupt the consensus splice site. In summary, the available evidence is currently insufficient to determine the role of this variant in disease. Therefore, it has been classified as a Variant of Uncertain Significance.

Ambry Genetics
Classification: Uncertain significance for Inborn genetic diseases. Last evaluated: 2022-04-25. Review status: criteria provided, single submitter. Criteria: Ambry Variant Classification Scheme 2023. Collection method: clinical testing. Allele origin: germline.

Revvity Omics, Revvity
Classification: Uncertain significance. Last evaluated: 2019-07-02. Review status: criteria provided, single submitter. Criteria: ACMG Guidelines, 2015. Collection method: clinical testing. Allele origin: germline.

NM_004370.6(COL12A1):c.8183A>T (p.Asp2728Val)

Gene: COL12A1 (collagen type XII alpha 1 chain; minus strand). Cytogenetic location: 6q13.
Variant type: single nucleotide variant.
Coding change: c.8183A>T on transcript NM_004370.6 (MANE Select); coding-DNA position 8183, A replaced by T.
Protein change: p.Asp2728Val; replaces aspartic acid 2728 with valine.
Molecular consequence: missense variant.
Genome position (GRCh38, 1-based): chr6:75,105,288, T>A on the plus strand (A>T on the coding strand, the complement: COL12A1 is on the minus strand). VCF-style: chr6-75105288-T-A. GRCh37 (hg19) VCF-style: chr6-75815004-T-A.
Other names: c.4691A>T, p.Asp1564Val (NM_080645.3); c.8183A>T (NM_004370.5); short protein forms D1564V, D2728V.
Identifiers: ClinVar variation 1003683 (VCV001003683.12), dbSNP rs749287325, ClinGen allele CA3892349.
Genomic context (GRCh38, chr6:75,105,288, plus strand): 5'-GGTCCAACGCTGTCCTGTGTACATGTGCAAGAATTTGGAAAAGCAGGGCATTTTCCCTCA[T>A]CTCTCTGAAATTTTGAAAAGAATATTTACCTTTAAATTTAGAGGAAAAAAATGACTTCCC-3'
Protein context (NP_004361.3, residues 2718-2738): DRCCDIPSRR[Asp2728Val]EGKCPAFPNS